The following is an entry in ClinVar:

NC_000017.10:g.(?_48252608)_(48253303_?)del

Gene: SGCA (sarcoglycan alpha; plus strand). Cytogenetic location: 17q21.33.
Variant type: Deletion.
Identifiers: ClinVar variation 1408742 (VCV001408742.8).

ClinVar aggregate classification (germline): Uncertain significance (1 of 4 stars; one submission).

Conditions:
Autosomal recessive limb-girdle muscular dystrophy type 2D (LGMDR3). Also called: MUSCULAR DYSTROPHY, LIMB-GIRDLE, AUTOSOMAL RECESSIVE 3; ADHALINOPATHY, PRIMARY; DUCHENNE-LIKE AUTOSOMAL RECESSIVE MUSCULAR DYSTROPHY, TYPE 2. Identifiers: Orphanet 62, MedGen C2936332, MONDO:0011968, OMIM 608099. Disease mechanism: Affects gamma-sarcoglycan and also disrupts the integrity of the entire sarcoglycan complex..

Submission:

Labcorp Genetics (formerly Invitae), Labcorp
Classification: Uncertain significance for Autosomal recessive limb-girdle muscular dystrophy type 2D. Last evaluated: 2020-11-05. Review status: criteria provided, single submitter. Criteria: Invitae Variant Classification Sherloc (09022015). Collection method: clinical testing. Allele origin: germline.
Comment: In summary, the available evidence is currently insufficient to determine the role of this variant in disease. Therefore, it has been classified as a Variant of Uncertain Significance. This variant has not been reported in the literature in individuals with SGCA-related conditions. This variant is a gross deletion of the genomic region encompassing exon(s) 9-10 of the SGCA gene. The 5' boundary is likely confined to intron 8. The 3' end of this event is unknown as it extends through the termination codon beyond the assayed region for this gene and may encompass additional genes. While this deletion is not anticipated to lead to nonsense mediated decay, it is expected to alter mRNA translation or result in a truncated protein product.